The following is an entry in ClinVar:

NM_002528.7(NTHL1):c.262C>A (p.Leu88Met)

Gene: NTHL1 (nth like DNA glycosylase 1; minus strand). Cytogenetic location: 16p13.3.
Variant type: single nucleotide variant.
Coding change: c.262C>A on transcript NM_002528.7 (MANE Select); coding-DNA position 262, C replaced by A.
Protein change: p.Leu88Met; replaces leucine 88 with methionine.
Molecular consequence: missense variant. On other transcripts: intron variant (1).
Genome position (GRCh38, 1-based): chr16:2,046,220, G>T on the plus strand (C>A on the coding strand, the complement: NTHL1 is on the minus strand). VCF-style: chr16-2046220-G-T. GRCh37 (hg19) VCF-style: chr16-2096221-G-T.
Other names: c.262C>A, p.Leu88Met (NM_001318193.2); c.24+60C>A (NM_001318194.2); short protein forms L88M.
Identifiers: ClinVar variation 847230 (VCV000847230.13), dbSNP rs2084371504, ClinGen allele CA394297012.

ClinVar aggregate classification (germline): Uncertain significance. Review status: criteria provided, multiple submitters, no conflicts (2 of 4 stars). 2 submissions from 2 submitters: Uncertain significance (2). Last evaluated 2026-02-01.

Conditions:
Hereditary cancer-predisposing syndrome. Also called: Tumor predisposition; Hereditary neoplastic syndrome; Neoplastic Syndromes, Hereditary; Hereditary Cancer Syndrome. Identifiers: Orphanet 140162, MedGen C0027672, MeSH D009386, MONDO:0015356.

Submissions (2):

Labcorp Genetics (formerly Invitae), Labcorp
Classification: Uncertain significance. Last evaluated: 2026-02-01. Review status: criteria provided, single submitter. Criteria: Invitae Variant Classification Sherloc (09022015). Collection method: clinical testing. Allele origin: germline.
Comment: This sequence change replaces leucine, which is neutral and non-polar, with methionine, which is neutral and non-polar, at codon 96 of the NTHL1 protein (p.Leu96Met). This variant is not present in population databases (gnomAD no frequency). This variant has not been reported in the literature in individuals affected with NTHL1-related conditions. ClinVar contains an entry for this variant (Variation ID: 847230). An algorithm developed to predict the effect of missense changes on protein structure and function (PolyPhen-2) suggests that this variant is likely to be disruptive. In summary, the available evidence is currently insufficient to determine the role of this variant in disease. Therefore, it has been classified as a Variant of Uncertain Significance.

Ambry Genetics
Classification: Uncertain significance for Hereditary cancer-predisposing syndrome. Last evaluated: 2025-03-22. Review status: criteria provided, single submitter. Criteria: Ambry Variant Classification Scheme 2023. Collection method: clinical testing. Allele origin: germline.
Comment: The p.L96M variant (also known as c.286C>A), located in coding exon 2 of the NTHL1 gene, results from a C to A substitution at nucleotide position 286. The leucine at codon 96 is replaced by methionine, an amino acid with highly similar properties. This amino acid position is highly conserved in available vertebrate species. In addition, this alteration is predicted to be tolerated by in silico analysis. Since supporting evidence is limited at this time, the clinical significance of this alteration remains unclear.